The following is an entry in ClinVar:

ClinVar aggregate classification (germline): Pathogenic (1 of 4 stars; one submission).

Conditions:
Peroxisome biogenesis disorder 11A (Zellweger). Also called: Peroxisome biogenesis disorder 11A. Identifiers: Orphanet 912, MedGen C3554000, MONDO:0013949, OMIM 614883.

Submission:

Labcorp Genetics (formerly Invitae), Labcorp
Classification: Pathogenic for Peroxisome biogenesis disorder 11A (Zellweger). Last evaluated: 2023-08-22. Review status: criteria provided, single submitter. Criteria: Invitae Variant Classification Sherloc (09022015). Collection method: clinical testing. Allele origin: germline.
Comment: For these reasons, this variant has been classified as Pathogenic. This variant has not been reported in the literature in individuals affected with PEX13-related conditions. This variant is not present in population databases (gnomAD no frequency). This sequence change creates a premature translational stop signal (p.Lys10Asnfs*30) in the PEX13 gene. It is expected to result in an absent or disrupted protein product. Loss-of-function variants in PEX13 are known to be pathogenic (PMID: 10332040, 21031596).

Literature cited by the submitters: PubMed 10332040; PubMed 21031596.

NM_002618.4(PEX13):c.27del (p.Lys10fs)

Genes: PEX13 (peroxisomal biogenesis factor 13; plus strand), PUS10 (pseudouridine synthase 10; minus strand). Cytogenetic location: 2p15.
Variant type: Deletion.
Coding change: c.27del on transcript NM_002618.4 (MANE Select); coding-DNA position 27, one base deleted (C; older notation c.27delC).
Protein change: p.Lys10fs; shifts the reading frame from lysine 10.
Molecular consequence: frameshift variant. On other transcripts: intron variant (2).
Genome position (GRCh38, 1-based): chr2:61,017,786, C deleted; the last of 6 consecutive C bases (chr2:61,017,781-61,017,786); deleting any one gives the same sequence. VCF-style (leftmost placement, unchanged base first): chr2-61017780-TC-T. GRCh37 (hg19) VCF-style: chr2-61244915-TC-T.
Other names: c.-16+227del (NM_144709.4); c.-623+227del (NM_001322127.1); short protein forms K10fs.
Identifiers: ClinVar variation 2754296 (VCV002754296.3), dbSNP rs2467473596, ClinGen allele CA2576981001.